The following is an entry in ClinVar:

NM_005045.4(RELN):c.4649A>T (p.Asp1550Val)

Gene: RELN (reelin; minus strand). Cytogenetic location: 7q22.1.
Variant type: single nucleotide variant.
Coding change: c.4649A>T on transcript NM_005045.4 (MANE Select); coding-DNA position 4649, A replaced by T.
Protein change: p.Asp1550Val; replaces aspartic acid 1550 with valine.
Molecular consequence: missense variant.
Genome position (GRCh38, 1-based): chr7:103,566,699, T>A on the plus strand (A>T on the coding strand, the complement: RELN is on the minus strand). VCF-style: chr7-103566699-T-A. GRCh37 (hg19) VCF-style: chr7-103207146-T-A.
Other names: c.4649A>T, p.Asp1550Val (NM_173054.3); short protein forms D1550V.
Identifiers: ClinVar variation 1392122 (VCV001392122.10), dbSNP rs781465325, ClinGen allele CA4421445.

ClinVar aggregate classification (germline): Uncertain significance. Review status: criteria provided, multiple submitters, no conflicts (2 of 4 stars). 3 submissions from 3 submitters: Uncertain significance (3). Last evaluated 2025-12-01.

Conditions:
Norman-Roberts syndrome (LIS2). Also called: Lissencephaly 2 (Norman-Roberts type). Identifiers: Orphanet 89844, MedGen C0796089, MONDO:0009760, OMIM 257320.
Familial temporal lobe epilepsy 7. Identifiers: Orphanet 101046, MedGen C4225327, MONDO:0014639, OMIM 616436.
Inborn genetic diseases. Identifiers: MedGen C0950123, MeSH D030342.

Allele frequency attached by ClinVar (database versions not stated): gnomAD 0.00002; TOPMed 0.00002.
gnomAD v4.1: 14 of 1,613,980 alleles (0.00087%); highest among the groups gnomAD compares: Middle Eastern, 0.016%; no homozygotes.

Submissions (3):

Labcorp Genetics (formerly Invitae), Labcorp
Classification: Uncertain significance for Familial temporal lobe epilepsy 7; Norman-Roberts syndrome. Last evaluated: 2025-12-01. Review status: criteria provided, single submitter. Criteria: Invitae Variant Classification Sherloc (09022015). Collection method: clinical testing. Allele origin: germline.
Comment: This sequence change replaces aspartic acid, which is acidic and polar, with valine, which is neutral and non-polar, at codon 1550 of the RELN protein (p.Asp1550Val). This variant is present in population databases (rs781465325, gnomAD 0.004%). This variant has not been reported in the literature in individuals affected with RELN-related conditions. ClinVar contains an entry for this variant (Variation ID: 1392122). Invitae Evidence Modeling of protein sequence and biophysical properties (such as structural, functional, and spatial information, amino acid conservation, physicochemical variation, residue mobility, and thermodynamic stability) indicates that this missense variant is not expected to disrupt RELN protein function with a negative predictive value of 80%. In summary, the available evidence is currently insufficient to determine the role of this variant in disease. Therefore, it has been classified as a Variant of Uncertain Significance.

GeneDx
Classification: Uncertain significance. Last evaluated: 2022-05-09. Review status: criteria provided, single submitter. Criteria: GeneDx Variant Classification Process June 2021. Collection method: clinical testing. Allele origin: germline. Affected: yes.
Comment: Not observed at significant frequency in large population cohorts (gnomAD); In silico analysis supports that this missense variant has a deleterious effect on protein structure/function; Has not been previously published as pathogenic or benign to our knowledge

Ambry Genetics
Classification: Uncertain significance for Inborn genetic diseases. Last evaluated: 2022-01-15. Review status: criteria provided, single submitter. Criteria: Ambry Variant Classification Scheme 2023. Collection method: clinical testing. Allele origin: germline.
Comment: The c.4649A>T (p.D1550V) alteration is located in exon 32 (coding exon 32) of the RELN gene. This alteration results from a A to T substitution at nucleotide position 4649, causing the aspartic acid (D) at amino acid position 1550 to be replaced by a valine (V). The in silico prediction for this alteration is inconclusive. Based on insufficient or conflicting evidence, the clinical significance of this alteration remains unclear.